The following is an entry in ClinVar:

NM_001278716.2(FBXL4):c.130A>T (p.Thr44Ser)

Gene: FBXL4 (F-box and leucine rich repeat protein 4; minus strand). Cytogenetic location: 6q16.2.
Variant type: single nucleotide variant.
Coding change: c.130A>T on transcript NM_001278716.2 (MANE Select); coding-DNA position 130, A replaced by T.
Protein change: p.Thr44Ser; replaces threonine 44 with serine.
Molecular consequence: missense variant. On other transcripts: non-coding transcript variant (2).
Genome position (GRCh38, 1-based): chr6:98,926,859, T>A on the plus strand (A>T on the coding strand, the complement: FBXL4 is on the minus strand). VCF-style: chr6-98926859-T-A. GRCh37 (hg19) VCF-style: chr6-99374735-T-A.
Other names: c.130A>T, p.Thr44Ser (NM_012160.5); short protein forms T44S.
Identifiers: ClinVar variation 437541 (VCV000437541.1), dbSNP rs757059942, ClinGen allele CA3933731.
Genomic context (GRCh38, chr6:98,926,859, plus strand): 5'-GGGAACTGAAATCCACTACTTCTTTGGCATACTGGACTACCTCTGCATTGAGAGGGGAAG[T>A]CTGGCTGTTTGATTCTATAGCTCTATGGGTGTTCATCATTTCTCCTCTTGTAGCTGTCCT-3'
Protein context (NP_001265645.1, residues 34-54): THRAIESNSQ[Thr44Ser]SPLNAEVVQY

ClinVar aggregate classification (germline): Uncertain significance (1 of 4 stars; one submission).

Conditions:
Mitochondrial DNA depletion syndrome 13. Also called: FBXL4-Related Encephalomyopathic Mitochondrial DNA Depletion Syndrome; Mitochondrial DNA depletion syndrome 13 (encephalomyopathic type). Identifiers: Orphanet 369897, MedGen C3809592, MONDO:0014198, OMIM 615471.

Allele frequency attached by ClinVar (database versions not stated): gnomAD exomes below 0.00001 and 0.00001; ExAC 0.00002.
gnomAD v4.1: 2 of 1,614,162 alleles (0.00012%); highest among the groups gnomAD compares: Non-Finnish European, 0.00017%; no homozygotes.

Submission:

Wong Mito Lab, Molecular and Human Genetics, Baylor College of Medicine
Classification: Uncertain significance for Mitochondrial DNA depletion syndrome 13. Last evaluated: 2017-08-10. Review status: criteria provided, single submitter. Criteria: ACMG Guidelines, 2015. Collection method: reference population. Allele origin: germline.
Comment: The NM_012160.4:c.130A>T (NP_036292.2:p.Thr44Ser) [GRCH38: NC_000006.12:g.98926859T>A] variant in FBXL4 gene is interpretated to be a Uncertain Significance - Insufficient Evidence based on ACMG guidelines (PMID: 25741868). This variant meets one or more of the following evidence codes reported in the ACMG-guideline. PM2:This variant is absent in key population databases. Based on this evidence code ClinGen Pathogenicity Calculator (PMID:28081714) suggested that the variant is Uncertain Significance - Insufficient Evidence.